The following is an entry in ClinVar:

NM_001110556.2(FLNA):c.1439C>A (p.Pro480Gln)

Gene: FLNA (filamin A; minus strand). Cytogenetic location: Xq28.
Variant type: single nucleotide variant.
Coding change: c.1439C>A on transcript NM_001110556.2 (MANE Select); coding-DNA position 1439, C replaced by A.
Protein change: p.Pro480Gln; replaces proline 480 with glutamine.
Molecular consequence: missense variant.
Genome position (GRCh38, 1-based): chrX:154,365,477, G>T on the plus strand (C>A on the coding strand, the complement: FLNA is on the minus strand). VCF-style: chrX-154365477-G-T. GRCh37 (hg19) VCF-style: chrX-153593845-G-T.
Other names: c.1439C>A, p.Pro480Gln (NM_001456.4); short protein forms P480Q.
Identifiers: ClinVar variation 2942786 (VCV002942786.3), dbSNP rs782168634, ClinGen allele CA415243563.
Genomic context (GRCh38, chrX:154,365,477, plus strand): 5'-GTCTCCTTCACCCGCACACCCTTGGGCTGGAGGCCCCGGCCAACCGCCCGGCAGGCACTC[G>T]GGTTACAGGCTGCAGGCAGAGGGGCCAGCTGAGCACCAGCAGCTCGGCTGGGCGACCCCT-3'
Protein context (NP_001104026.1, residues 470-490): YTVTVGQACN[Pro480Gln]SACRAVGRGL

ClinVar aggregate classification (germline): Uncertain significance (1 of 4 stars; one submission).

Conditions:
Oto-palato-digital syndrome, type II (OPD2). Also called: FACIOPALATOOSSEOUS SYNDROME; OPD II SYNDROME; Otopalatodigital Syndrome, Type II; Otopalatodigital Syndrome Type 2 (FLNA-OPD2). Identifiers: Orphanet 669, Orphanet 90652, MedGen C1844696, MONDO:0010571, OMIM 304120.
Heterotopia, periventricular, X-linked dominant (PVNH1). Also called: PERIVENTRICULAR NODULAR HETEROTOPIA 1; X-linked periventricular heterotopia; PERIVENTRICULAR NODULAR HETEROTOPIA 4; HETEROTOPIA, PERIVENTRICULAR, 1. Identifiers: Orphanet 2149, Orphanet 82004, MedGen C1848213, MONDO:0010233, OMIM 300049.
Frontometaphyseal dysplasia (FMD1). Identifiers: Orphanet 1826, MedGen C0265293, MONDO:0015942.
Melnick-Needles syndrome (MNS). Also called: MELNICK-NEEDLES OSTEODYSPLASTY; OSTEODYSPLASTY OF MELNICK AND NEEDLES; Melnick-Needles Syndrome (FLNA-MNS). Identifiers: Orphanet 2484, MedGen C0025237, MONDO:0010650, OMIM 309350.

Submission:

Labcorp Genetics (formerly Invitae), Labcorp
Classification: Uncertain significance for Oto-palato-digital syndrome, type II; Heterotopia, periventricular, X-linked dominant; Frontometaphyseal dysplasia; Melnick-Needles syndrome. Last evaluated: 2022-12-30. Review status: criteria provided, single submitter. Criteria: Invitae Variant Classification Sherloc (09022015). Collection method: clinical testing. Allele origin: germline.
Comment: The frequency data for this variant in the population databases is considered unreliable, as metrics indicate poor data quality at this position in the gnomAD database. Advanced modeling of protein sequence and biophysical properties (such as structural, functional, and spatial information, amino acid conservation, physicochemical variation, residue mobility, and thermodynamic stability) has been performed at Invitae for this missense variant, however the output from this modeling did not meet the statistical confidence thresholds required to predict the impact of this variant on FLNA protein function. This variant has not been reported in the literature in individuals affected with FLNA-related conditions. In summary, the available evidence is currently insufficient to determine the role of this variant in disease. Therefore, it has been classified as a Variant of Uncertain Significance. This sequence change replaces proline, which is neutral and non-polar, with glutamine, which is neutral and polar, at codon 480 of the FLNA protein (p.Pro480Gln).